The following is an entry in ClinVar:

NM_002224.4(ITPR3):c.1248+4C>T

Gene: ITPR3 (inositol 1,4,5-trisphosphate receptor type 3; plus strand). Cytogenetic location: 6p21.31.
Variant type: single nucleotide variant.
Coding change: c.1248+4C>T on transcript NM_002224.4 (MANE Select); 4 bases into the intron after coding-DNA position 1248, C replaced by T.
Molecular consequence: intron variant.
Genome position (GRCh38, 1-based): chr6:33,664,973, C>T. VCF-style: chr6-33664973-C-T. GRCh37 (hg19) VCF-style: chr6-33632750-C-T.
Other names: c.1248+4C>T (NM_002224.3).
Identifiers: ClinVar variation 1293554 (VCV001293554.4), dbSNP rs2274199, ClinGen allele CA3760212.

ClinVar aggregate classification (germline): Benign. Review status: criteria provided, single submitter (1 of 4 stars). 2 submissions from 2 submitters: Benign (1). 1 of the submissions does not count toward it. Last evaluated 2021-05-04.

Conditions:
ITPR3-related disorder. Also called: ITPR3-related condition.

Allele frequency attached by ClinVar (database versions not stated): ESP Exome Variant Server 0.03614; TOPMed 0.03756; gnomAD 0.04174 and 0.04529; gnomAD exomes 0.04479; ExAC 0.04643; 1000 Genomes Project 30x 0.06090; 1000 Genomes Project 0.06130.
gnomAD v4.1: 54,390 of 715,980 alleles (7.6%); highest among the groups gnomAD compares: South Asian, 13%; 1,536 homozygotes.

Submissions (2):

GeneDx
Classification: Benign. Last evaluated: 2021-05-04. Review status: criteria provided, single submitter. Criteria: GeneDx Variant Classification Process June 2021. Collection method: clinical testing. Allele origin: germline. Affected: yes.

PreventionGenetics, part of Exact Sciences
Classification: Benign for ITPR3-related condition. Last evaluated: 2019-12-09. Review status: no assertion criteria provided. Collection method: clinical testing. Allele origin: germline. Not counted in ClinVar's aggregate classification.
Comment: This variant is classified as benign based on ACMG/AMP sequence variant interpretation guidelines (Richards et al. 2015 PMID: 25741868, with internal and published modifications).